The following is an entry in ClinVar:

ClinVar aggregate classification (germline): Pathogenic. Review status: reviewed by expert panel (3 of 4 stars). 7 submissions from 7 submitters: Pathogenic (1). 6 of the submissions do not count toward it. Last evaluated 2023-07-23.

Conditions:
Phenylketonuria (PKU). Also called: Phenylketonuria (PKU); FOLLING DISEASE; OLIGOPHRENIA PHENYLPYRUVICA; Phenylketonurias. Identifiers: Orphanet 716, MedGen C0031485, MONDO:0009861, OMIM 261600. Disease mechanism: loss of function.

Allele frequency attached by ClinVar (database versions not stated): gnomAD exomes 0.00001; TOPMed 0.00001.
gnomAD v4.1: 20 of 1,613,688 alleles (0.0012%); highest among the groups gnomAD compares: Non-Finnish European, 0.0017%; no homozygotes.

Submissions (7):

ClinGen PAH Variant Curation Expert Panel
Classification: Pathogenic for Phenylketonuria. Last evaluated: 2023-07-23. Review status: reviewed by expert panel. Criteria: ClinGen PAH ACMG Specifications v1. Collection method: curation. Allele origin: germline. Inheritance: Autosomal recessive inheritance.
Comment: The NM_000277.3:c.938C>T variant in PAH is a missense variant predicted to cause substitution of alanine by valine at amino acid 313 (p.Ala313Val). This variant has been detected in at least 8 unrelated individuals with PAH deficiency (PMID: 32668217, PMID: 27121329, PMID: 33465300, PMID: 10234516, PMID: 23500595). Of these individuals, 6 were compound heterozygotes for the variant and pathogenic variants, p.Ala104Asp, c.1066-11G>A, p.Arg408Trp, p.Ex5del4232ins268, p.Gln267Ter, in unknown phase (PMID: 32668217, PMID: 27121329, PMID: 33465300) (3pts total, PM3_Strong). Of these individuals, two had plasma phenylalanine >120 μmol/L with the exclusion of a defect of BH4 cofactor metabolism (PP4_Moderate) (PMID: 10234516, PMID: 23500595). This variant is absent in gnomAD v2.1.1 (PM2_Supporting). In a PAH enzyme assay, this variant showed 32% (<50%) of wild-type PAH enzyme activity (PMID: 18590700) (PS3_Supporting). The computational predictor REVEL gives a score of 0.907 which is above the threshold of 0.75, evidence that correlates with impact to PAH function (PP3_Moderate). There is a ClinVar entry for this variant (Variation ID: 102903, 1 star review status) with one submitter classifying the variant as pathogenic and one submitter classifying the variant as a variant of uncertain significance. In summary, this variant meets the criteria to be classified as pathogenic for PAH deficiency based on the ACMG/AMP criteria applied, as specified by the ClinGen PAH Variant Curation Expert Panel (Specifications Version 2.0): PS3_Supporting, PM2_Supporting, PM3_Strong, PP3_Moderate, PP4.

Dasa
Classification: Pathogenic. Last evaluated: 2026-03-24. Review status: criteria provided, single submitter. Criteria: DASA Assertion Criteria. Collection method: clinical testing. Allele origin: germline. Not counted in ClinVar's aggregate classification.
Comment: NM_000277.3(PAH):c.938C>T (p.Ala313Val) is a missense variant that results in the substitution of alanine with valine. This variant has been observed in affected individuals with related phenotype in a genotype context consistent with recessive disease (PMID: 21415153; PMID: 23500595; PMID: 10234516; PMID: 29997390; PMID: 18590700). Functional evidence supports a deleterious effect on the gene or gene product (PMID: 21415153; PMID: 23500595; PMID: 10234516; PMID: 29997390; PMID: 18590700). This variant has been recurrently observed in individuals with related phenotype (PMID: 21415153; PMID: 23500595; PMID: 10234516; PMID: 29997390; PMID: 18590700). Multiple computational predictions support a deleterious effect on the gene or gene product. The variant is present at low frequency in population datasets. Based on the available data, this variant is classified as pathogenic.

Natera, Inc.
Classification: Likely pathogenic for Phenylketonuria. Last evaluated: 2024-10-25. Review status: criteria provided, single submitter. Criteria: Natera Variant Classification Schema (03/2026). Collection method: clinical testing. Allele origin: germline. Not counted in ClinVar's aggregate classification.
Comment: The c.938C>T variant in PAH is a missense variant predicted to cause substitution of alanine to valine at amino acid 313. This variant is rare in the general population with a frequency below the threshold expected for the associated phenotype(s). This variant has been observed in one or more individuals affected with the associated recessive disease, as either homozygous or compound heterozygous with a second variant (PMID: 33465300, 23942198, 27121329). Computational prediction algorithms indicate this variant is likely to affect gene or protein function. Given the available evidence, this variant is classified as Likely Pathogenic.

Labcorp Genetics (formerly Invitae), Labcorp
Classification: Pathogenic for Phenylketonuria. Last evaluated: 2023-10-25. Review status: criteria provided, single submitter. Criteria: Invitae Variant Classification Sherloc (09022015). Collection method: clinical testing. Allele origin: germline. Not counted in ClinVar's aggregate classification.
Comment: This sequence change replaces alanine, which is neutral and non-polar, with valine, which is neutral and non-polar, at codon 313 of the PAH protein (p.Ala313Val). This variant is not present in population databases (gnomAD no frequency). This missense change has been observed in individuals with hyperphenylalaninemia (PMID: 27121329, 32668217, 33465300). ClinVar contains an entry for this variant (Variation ID: 102903). Advanced modeling of protein sequence and biophysical properties (such as structural, functional, and spatial information, amino acid conservation, physicochemical variation, residue mobility, and thermodynamic stability) performed at Invitae indicates that this missense variant is not expected to disrupt PAH protein function with a negative predictive value of 80%. Experimental studies have shown that this missense change does not substantially affect PAH function (PMID: 18590700). This variant disrupts the p.Ala313 amino acid residue in PAH. Other variant(s) that disrupt this residue have been determined to be pathogenic (Invitae). This suggests that this residue is clinically significant, and that variants that disrupt this residue are likely to be disease-causing. For these reasons, this variant has been classified as Pathogenic.

Baylor Genetics
Classification: Pathogenic for Phenylketonuria. Last evaluated: 2022-09-02. Review status: criteria provided, single submitter. Criteria: ACMG Guidelines, 2015. Collection method: clinical testing. Allele origin: unknown. Not counted in ClinVar's aggregate classification.

Laboratorio de Genetica e Diagnostico Molecular, Hospital Israelita Albert Einstein
Classification: Uncertain significance. Last evaluated: 2020-10-21. Review status: criteria provided, single submitter. Criteria: ACMG Guidelines, 2015. Collection method: clinical testing. Allele origin: germline. Affected: yes. Not counted in ClinVar's aggregate classification.
Comment: ACMG classification criteria: PM2, PP3

DeBelle Laboratory for Biochemical Genetics, MUHC/MCH RESEARCH INSTITUTE
No classification provided. Review status: no classification provided. Collection method: not provided. Allele origin: not provided. Not counted in ClinVar's aggregate classification.

Literature cited by the submitters: PubMed 21415153 (cited by Dasa); PubMed 23500595 (cited by Dasa); PubMed 10234516 (cited by Dasa); PubMed 29997390 (cited by Dasa); PubMed 18590700 (cited by Dasa and Labcorp Genetics (formerly Invitae), Labcorp); PubMed 33465300 (cited by Natera, Inc. and Labcorp Genetics (formerly Invitae), Labcorp); PubMed 23942198 (cited by Natera, Inc.); PubMed 27121329 (cited by Natera, Inc. and Labcorp Genetics (formerly Invitae), Labcorp); PubMed 32668217 (cited by Labcorp Genetics (formerly Invitae), Labcorp).

NM_000277.3(PAH):c.938C>T (p.Ala313Val)

Gene: PAH (phenylalanine hydroxylase; minus strand). Cytogenetic location: 12q23.2.
Variant type: single nucleotide variant.
Coding change: c.938C>T on transcript NM_000277.3 (MANE Select); coding-DNA position 938, C replaced by T.
Protein change: p.Ala313Val; replaces alanine 313 with valine.
Molecular consequence: missense variant.
Genome position (GRCh38, 1-based): chr12:102,846,926, G>A on the plus strand (C>T on the coding strand, the complement: PAH is on the minus strand). VCF-style: chr12-102846926-G-A. GRCh37 (hg19) VCF-style: chr12-103240704-G-A.
Other names: NM_000277.3(PAH):c.938C>T; p.Ala313Val; c.938C>T, p.Ala313Val (NM_001354304.2); c.938C>T (NM_000277.2); short protein forms A313V.
Identifiers: ClinVar variation 102903 (VCV000102903.12), dbSNP rs62642914, ClinGen allele CA229861.